The following is an entry in ClinVar:

ClinVar aggregate classification (germline): Uncertain significance (1 of 4 stars; one submission).

Conditions:
Hereditary cancer-predisposing syndrome. Also called: Neoplastic Syndromes, Hereditary; Tumor predisposition; Hereditary Cancer Syndrome; Hereditary neoplastic syndrome. Identifiers: Orphanet 140162, MedGen C0027672, MeSH D009386, MONDO:0015356.

Submission:

Ambry Genetics
Classification: Uncertain significance for Hereditary cancer-predisposing syndrome. Last evaluated: 2022-10-26. Review status: criteria provided, single submitter. Criteria: Ambry Variant Classification Scheme 2023. Collection method: clinical testing. Allele origin: germline.
Comment: The p.P55T variant (also known as c.163C>A), located in coding exon 1 of the MSH6 gene, results from a C to A substitution at nucleotide position 163. The proline at codon 55 is replaced by threonine, an amino acid with highly similar properties. This amino acid position is not well conserved in available vertebrate species. In addition, this alteration is predicted to be tolerated by in silico analysis. Since supporting evidence is limited at this time, the clinical significance of this alteration remains unclear.

NM_000179.3(MSH6):c.163C>A (p.Pro55Thr)

Gene: MSH6 (mutS homolog 6; plus strand). Cytogenetic location: 2p16.3.
Variant type: single nucleotide variant.
Coding change: c.163C>A on transcript NM_000179.3 (MANE Select); coding-DNA position 163, C replaced by A.
Protein change: p.Pro55Thr; replaces proline 55 with threonine.
Molecular consequence: missense variant. On other transcripts: 5 prime UTR variant (1), synonymous variant (1).
Genome position (GRCh38, 1-based): chr2:47,783,396, C>A. VCF-style: chr2-47783396-C-A. GRCh37 (hg19) VCF-style: chr2-48010535-C-A.
Other names: c.163C>A, p.Pro55Thr (NM_001281492.2, NM_001406795.1, NM_001406796.1 and 9 more transcripts); c.-574C>A (NM_001281493.2, NM_001406811.1); c.-166C>A (NM_001406799.1); c.108C>A, p.Gly36= (NM_001406804.1); c.-766C>A (NM_001406807.1); c.-421C>A (NM_001406812.1); c.-832C>A (NM_001406814.1); c.-377C>A (NM_001406816.1); short protein forms P55T.
Identifiers: ClinVar variation 1777002 (VCV001777002.2), dbSNP rs2103939567, ClinGen allele CA346734972.